The following is an entry in ClinVar:

NM_016562.4(TLR7):c.29G>A (p.Arg10Lys)

Gene: TLR7 (toll like receptor 7; plus strand). Cytogenetic location: Xp22.2.
Variant type: single nucleotide variant.
Coding change: c.29G>A on transcript NM_016562.4 (MANE Select); coding-DNA position 29, G replaced by A.
Protein change: p.Arg10Lys; replaces arginine 10 with lysine.
Molecular consequence: missense variant.
Genome position (GRCh38, 1-based): chrX:12,885,537, G>A. VCF-style: chrX-12885537-G-A. GRCh37 (hg19) VCF-style: chrX-12903656-G-A.
Other names: short protein forms R10K.
Identifiers: ClinVar variation 2112378 (VCV002112378.4), dbSNP rs2518437016, ClinGen allele CA412403696.

ClinVar aggregate classification (germline): Uncertain significance (1 of 4 stars; one submission).

Allele frequency attached by ClinVar (database versions not stated): gnomAD exomes 0.00002.
gnomAD v4.1: 26 of 1,205,292 alleles (0.0022%); highest among the groups gnomAD compares: Non-Finnish European, 0.0029%; no homozygotes.

Submission:

Labcorp Genetics (formerly Invitae), Labcorp
Classification: Uncertain significance. Last evaluated: 2024-05-29. Review status: criteria provided, single submitter. Criteria: Invitae Variant Classification Sherloc (09022015). Collection method: clinical testing. Allele origin: germline.
Comment: This sequence change replaces arginine, which is basic and polar, with lysine, which is basic and polar, at codon 10 of the TLR7 protein (p.Arg10Lys). This variant is not present in population databases (gnomAD no frequency). This variant has not been reported in the literature in individuals affected with TLR7-related conditions. ClinVar contains an entry for this variant (Variation ID: 2112378). Algorithms developed to predict the effect of missense changes on protein structure and function output the following: SIFT: "Not Available"; PolyPhen-2: "Benign"; Align-GVGD: "Not Available". The lysine amino acid residue is found in multiple mammalian species, which suggests that this missense change does not adversely affect protein function. In summary, the available evidence is currently insufficient to determine the role of this variant in disease. Therefore, it has been classified as a Variant of Uncertain Significance.